The following is an entry in ClinVar:

NM_001174089.2(SLC4A11):c.2444del (p.Tyr815fs)

Gene: SLC4A11 (solute carrier family 4 member 11; minus strand). Cytogenetic location: 20p13.
Variant type: Deletion.
Coding change: c.2444del on transcript NM_001174089.2 (MANE Select); coding-DNA position 2444, one base deleted (A; older notation c.2444delA).
Protein change: p.Tyr815fs; shifts the reading frame from tyrosine 815.
Molecular consequence: frameshift variant. On other transcripts: non-coding transcript variant (3).
Genome position (GRCh38, 1-based): chr20:3,228,373, T deleted on the plus strand (A on the coding strand, the reverse complement: SLC4A11 is on the minus strand). VCF-style (leftmost placement, unchanged base first): chr20-3228372-GT-G. GRCh37 (hg19) VCF-style: chr20-3209018-GT-G.
Other names: c.2573del, p.Tyr858fs (NM_001174090.2); c.2330del, p.Tyr777fs (NM_001363745.2); c.2387del, p.Tyr796fs (NM_001400277.1, NM_001400278.1, NM_001400279.1); c.2459del, p.Tyr820fs (NM_001400280.1); c.2492del, p.Tyr831fs (NM_032034.4); short protein forms Y777fs, Y796fs, Y815fs, Y820fs, Y831fs, Y858fs.
Identifiers: ClinVar variation 4816314 (VCV004816314.1).
Genomic context (GRCh38, chr20:3,228,372, plus strand): 5'-CAGGGAGCTCATGCCGAAGGCACACAGCAGCAGCAGCTGAAGCACCTGCAGGCCCGTGAA[GT>G]AGTGGATCTTCCTCTGGGGCACCCTCCGGATGTAGTGTGTCGGGGGGTACGCAGTCTGTG-3'

ClinVar aggregate classification (germline): Likely pathogenic (1 of 4 stars; one submission).

Conditions:
Corneal dystrophy-perceptive deafness syndrome (CDPD). Also called: CORNEAL DYSTROPHY AND SENSORINEURAL DEAFNESS; HARBOYAN SYNDROME. Identifiers: Orphanet 1490, MedGen C1857572, MONDO:0009015, OMIM 217400.

Submission:

Natera, Inc.
Classification: Likely pathogenic for Corneal dystrophy-perceptive deafness syndrome. Last evaluated: 2025-09-25. Review status: criteria provided, single submitter. Criteria: Natera Variant Classification Schema (03/2026). Collection method: clinical testing. Allele origin: germline.
Comment: The c.2492del variant in SLC4A11 is a frameshift variant predicted to shift the reading frame beginning at codon 831 and leads to a stop codon 18 codons downstream. This variant is expected to result in nonsense mediated decay, truncation, or a dysfunctional protein product. This variant is rare in the general population with a frequency below the threshold expected for the associated phenotype(s). Given the available evidence, this variant is classified as Likely Pathogenic.